The following is an entry in ClinVar:

NM_017780.4(CHD7):c.6629del (p.Glu2210fs)

Gene: CHD7 (chromodomain helicase DNA binding protein 7; plus strand). Cytogenetic location: 8q12.2.
Variant type: Deletion.
Coding change: c.6629del on transcript NM_017780.4 (MANE Select); coding-DNA position 6629, one base deleted (A; older notation c.6629delA).
Protein change: p.Glu2210fs; shifts the reading frame from glutamic acid 2210.
Molecular consequence: frameshift variant. On other transcripts: intron variant (1).
Genome position (GRCh38, 1-based): chr8:60,853,354, A deleted. VCF-style (leftmost placement, unchanged base first): chr8-60853353-GA-G. GRCh37 (hg19) VCF-style: chr8-61765912-GA-G.
Other names: c.1717-8875del (NM_001316690.1); short protein forms E2210fs.
Identifiers: ClinVar variation 2632954 (VCV002632954.2), dbSNP rs2488046459, ClinGen allele CA2695201475.

ClinVar aggregate classification (germline): Pathogenic (1 of 4 stars; one submission).

Conditions:
CHD7-related disorder. Also called: CHD7-related condition.

Submission:

PreventionGenetics, part of Exact Sciences
Classification: Pathogenic for CHD7-related condition. Last evaluated: 2025-04-02. Review status: criteria provided, single submitter. Criteria: ACMG Guidelines, 2015. Collection method: clinical testing. Allele origin: germline.
Comment: The CHD7 c.6629delA variant is predicted to result in a frameshift and premature protein termination (p.Glu2210Glyfs*5). To our knowledge, this variant has not been reported in the literature or in a large population database (gnomAD), indicating this variant is rare. Frameshift variants in CHD7 are expected to be pathogenic. This variant is interpreted as pathogenic.